The following is an entry in ClinVar:

ClinVar aggregate classification (germline): Likely pathogenic (1 of 4 stars; one submission).

Conditions:
Intellectual developmental disorder, X-linked 1. Also called: Atkin Flaitz Patil Smith syndrome; MENTAL RETARDATION, X-LINKED 18; MENTAL RETARDATION, X-LINKED 78; Intellectual disability, X-linked 1. Identifiers: Orphanet 777, MedGen C2931498, MONDO:0010656, OMIM 309530.

Submissions (2):

Institute of Human Genetics, University of Leipzig Medical Center
Classification: Likely pathogenic for Intellectual developmental disorder, X-linked 1. Last evaluated: 2021-04-13. Review status: criteria provided, single submitter. Criteria: ACMG Guidelines, 2015. Collection method: clinical testing. Allele origin: unknown. Affected: yes.
Comment: This variant was identified as hemizygous.

Dr. Peter K. Rogan Lab, Western University
No classification provided (evidence only). Condition: Nonpapillary renal cell carcinoma. Review status: no classification provided. Collection method: in vitro. Allele origin: not applicable. Functional consequence: retained intron. Not counted in ClinVar's aggregate classification.

NM_001111125.3(IQSEC2):c.2297+2T>C

Gene: IQSEC2 (IQ motif and Sec7 domain ArfGEF 2; minus strand). Cytogenetic location: Xp11.22.
Variant type: single nucleotide variant.
Coding change: c.2297+2T>C on transcript NM_001111125.3 (MANE Select); the canonical splice donor site of the intron after coding-DNA position 2297, T replaced by C.
Molecular consequence: splice donor variant.
Genome position (GRCh38, 1-based): chrX:53,250,277, A>G on the plus strand (T>C on the coding strand, the complement: IQSEC2 is on the minus strand). VCF-style: chrX-53250277-A-G. GRCh37 (hg19) VCF-style: chrX-53279459-A-G.
Other names: NC_000023.10:g.53279459A>G; c.2297+2T>C (NM_001410736.1); c.1682+2T>C (NM_015075.2).
Identifiers: ClinVar variation 1297048 (VCV001297048.2), dbSNP rs2147096217, ClinGen allele CA413159312.
Genomic context (GRCh38, chrX:53,250,277, plus strand): 5'-GGAACCCAAGTGCATGTGGCAGGGTAGGAAGGGGTAAGCAGGCTAGAACGGGGAGCACGC[A>G]CTTGTTGAAGAGGTTGAGGCCGATTCGGTAGTGCCGCCTCTGGACCACATCATTGTTGAA-3'